The following is an entry in ClinVar:

ClinVar aggregate classification (germline): Uncertain significance. Review status: criteria provided, multiple submitters, no conflicts (2 of 4 stars). 2 submissions from 2 submitters: Uncertain significance (2). Last evaluated 2025-03-30.

Conditions:
Cardiovascular phenotype. Identifiers: MedGen CN230736.
Brugada syndrome. Also called: Sudden unexpected nocturnal death syndrome; Sudden Unexplained Death Syndrome; Sudden Unexplained Nocturnal Death Syndrome (SUNDS); Sudden unexplained nocturnal death syndrome. Identifiers: Orphanet 130, MedGen C1142166, MONDO:0015263.

Allele frequency attached by ClinVar (database versions not stated): ExAC 0.00001; gnomAD exomes 0.00001; gnomAD 0.00002; TOPMed 0.00002; ESP Exome Variant Server 0.00008.
gnomAD v4.1: 12 of 1,613,898 alleles (0.00074%); highest among the groups gnomAD compares: African/African-American, 0.0053%; no homozygotes.

Submissions (2):

Labcorp Genetics (formerly Invitae), Labcorp
Classification: Uncertain significance for Brugada syndrome. Last evaluated: 2025-03-30. Review status: criteria provided, single submitter. Criteria: Invitae Variant Classification Sherloc (09022015). Collection method: clinical testing. Allele origin: germline.
Comment: This sequence change replaces arginine, which is basic and polar, with glutamine, which is neutral and polar, at codon 399 of the KCNJ8 protein (p.Arg399Gln). This variant is present in population databases (rs142014286, gnomAD 0.007%). This variant has not been reported in the literature in individuals affected with KCNJ8-related conditions. ClinVar contains an entry for this variant (Variation ID: 1480643). Invitae Evidence Modeling of protein sequence and biophysical properties (such as structural, functional, and spatial information, amino acid conservation, physicochemical variation, residue mobility, and thermodynamic stability) indicates that this missense variant is not expected to disrupt KCNJ8 protein function with a negative predictive value of 95%. In summary, the available evidence is currently insufficient to determine the role of this variant in disease. Therefore, it has been classified as a Variant of Uncertain Significance.

Ambry Genetics
Classification: Uncertain significance for Cardiovascular phenotype. Last evaluated: 2023-12-08. Review status: criteria provided, single submitter. Criteria: Ambry Variant Classification Scheme 2023. Collection method: clinical testing. Allele origin: germline.
Comment: The p.R399Q variant (also known as c.1196G>A), located in coding exon 2 of the KCNJ8 gene, results from a G to A substitution at nucleotide position 1196. The arginine at codon 399 is replaced by glutamine, an amino acid with highly similar properties. This amino acid position is conserved. In addition, this alteration is predicted to be tolerated by in silico analysis. Since supporting evidence is limited at this time, the clinical significance of this alteration remains unclear.

NM_004982.4(KCNJ8):c.1196G>A (p.Arg399Gln)

Genes: KCNJ8 (potassium inwardly rectifying channel subfamily J member 8; minus strand), KCNJ8-AS1 (KCNJ8 antisense RNA 1; plus strand). Cytogenetic location: 12p12.1.
Variant type: single nucleotide variant.
Coding change: c.1196G>A on transcript NM_004982.4 (MANE Select); coding-DNA position 1196, G replaced by A.
Protein change: p.Arg399Gln; replaces arginine 399 with glutamine.
Molecular consequence: missense variant.
Genome position (GRCh38, 1-based): chr12:21,765,802, C>T on the plus strand (G>A on the coding strand, the complement: KCNJ8 is on the minus strand). VCF-style: chr12-21765802-C-T. GRCh37 (hg19) VCF-style: chr12-21918736-C-T.
Other names: short protein forms R399Q.
Identifiers: ClinVar variation 1480643 (VCV001480643.8), dbSNP rs142014286, ClinGen allele CA6480617.